The following is an entry in ClinVar:

NM_013322.3(SNX10):c.295G>T (p.Glu99Ter)

Gene: SNX10 (sorting nexin 10; plus strand). Cytogenetic location: 7p15.2.
Variant type: single nucleotide variant.
Coding change: c.295G>T on transcript NM_013322.3 (MANE Select); coding-DNA position 295, G replaced by T.
Protein change: p.Glu99Ter; replaces glutamic acid 99 with a stop codon.
Molecular consequence: nonsense.
Genome position (GRCh38, 1-based): chr7:26,365,129, G>T. VCF-style: chr7-26365129-G-T. GRCh37 (hg19) VCF-style: chr7-26404749-G-T.
Other names: p.Glu99Ter; c.295G>T, p.Glu99Ter (NM_001199835.1, NM_001318199.3); c.286G>T, p.Glu96Ter (NM_001199837.3); c.43G>T, p.Glu15Ter (NM_001199838.2); c.373G>T, p.Glu125Ter (NM_001318198.1, NM_001362753.1, NM_001362754.1); short protein forms E125*, E15*, E96*, E99*.
Identifiers: ClinVar variation 3376537 (VCV003376537.2).

ClinVar aggregate classification (germline): Likely pathogenic (1 of 4 stars; one submission).

Conditions:
Autosomal recessive osteopetrosis 8. Identifiers: Orphanet 667, MedGen C3554478, MONDO:0014040, OMIM 615085.

gnomAD v4.1: 1 of 1,610,682 alleles (0.000062%); highest among the groups gnomAD compares: South Asian, 0.0011%; no homozygotes.

Submission:

Foundation for Research in Genetics and Endocrinology, FRIGE's Institute of Human Genetics
Classification: Likely pathogenic for Autosomal recessive osteopetrosis 8. Last evaluated: 2024-09-23. Review status: criteria provided, single submitter. Criteria: ACMG Guidelines, 2015. Collection method: clinical testing. Allele origin: germline. Inheritance: Autosomal recessive inheritance. Affected: yes.
Comment: A homozygous nonsense variation in exon 5 of the SNX10 gene that results in a stop codon and premature truncation of the protein at codon 99. The observed variant c.295G>T (p.Glu99Ter) has not been reported in the 1000 genomes and has MAF of 0.0001% in the gnomAD databases. The in silico prediction of the variant is damaging by LRT and MutationTaster2. The reference codon is conserved across species. In summary, the variant meets our criteria to be classified as likely pathogenic.